The following is an entry in ClinVar:

NM_005676.5(RBM10):c.244C>T (p.Arg82Trp)

Gene: RBM10 (RNA binding motif protein 10; plus strand). Cytogenetic location: Xp11.3.
Variant type: single nucleotide variant.
Coding change: c.244C>T on transcript NM_005676.5 (MANE Select); coding-DNA position 244, C replaced by T.
Protein change: p.Arg82Trp; replaces arginine 82 with tryptophan.
Molecular consequence: missense variant. On other transcripts: intron variant (2).
Genome position (GRCh38, 1-based): chrX:47,171,070, C>T. VCF-style: chrX-47171070-C-T. GRCh37 (hg19) VCF-style: chrX-47030469-C-T.
Other names: c.244C>T, p.Arg82Trp (NM_001204467.2); c.439C>T, p.Arg147Trp (NM_001204468.2); c.201+1572C>T (NM_001204466.2, NM_152856.3); short protein forms R147W, R82W.
Identifiers: ClinVar variation 1715601 (VCV001715601.5), dbSNP rs1556772646, ClinGen allele CA412790537.

ClinVar aggregate classification (germline): Uncertain significance (1 of 4 stars; one submission).

Allele frequency attached by ClinVar (database versions not stated): gnomAD exomes below 0.00001; TOPMed 0.00001.
gnomAD v4.1: 3 of 1,203,052 alleles (0.00025%); highest among the groups gnomAD compares: African/African-American, 0.0017%; no homozygotes.

Submission:

Labcorp Genetics (formerly Invitae), Labcorp
Classification: Uncertain significance. Last evaluated: 2024-10-17. Review status: criteria provided, single submitter. Criteria: Invitae Variant Classification Sherloc (09022015). Collection method: clinical testing. Allele origin: germline.
Comment: This sequence change replaces arginine, which is basic and polar, with tryptophan, which is neutral and slightly polar, at codon 82 of the RBM10 protein (p.Arg82Trp). This variant is present in population databases (no rsID available, gnomAD 0.01%), including at least one homozygous and/or hemizygous individual. This variant has not been reported in the literature in individuals affected with RBM10-related conditions. ClinVar contains an entry for this variant (Variation ID: 1715601). Invitae Evidence Modeling of protein sequence and biophysical properties (such as structural, functional, and spatial information, amino acid conservation, physicochemical variation, residue mobility, and thermodynamic stability) indicates that this missense variant is not expected to disrupt RBM10 protein function with a negative predictive value of 80%. In summary, the available evidence is currently insufficient to determine the role of this variant in disease. Therefore, it has been classified as a Variant of Uncertain Significance.